The following is an entry in ClinVar:

ClinVar aggregate classification (germline): Uncertain significance (1 of 4 stars; one submission).

Conditions:
Baller-Gerold syndrome (BGS). Also called: CRANIOSYNOSTOSIS WITH RADIAL DEFECTS. Identifiers: Orphanet 1225, MedGen C0265308, MONDO:0009039, OMIM 218600.

Allele frequency attached by ClinVar (database versions not stated): gnomAD exomes below 0.00001; TOPMed 0.00001.
gnomAD v4.1: 3 of 1,612,532 alleles (0.00019%); highest among the groups gnomAD compares: South Asian, 0.0011%; no homozygotes.

Submission:

Labcorp Genetics (formerly Invitae), Labcorp
Classification: Uncertain significance for Baller-Gerold syndrome. Last evaluated: 2022-09-17. Review status: criteria provided, single submitter. Criteria: Invitae Variant Classification Sherloc (09022015). Collection method: clinical testing. Allele origin: germline.
Comment: This variant is not present in population databases (gnomAD no frequency). This sequence change replaces histidine, which is basic and polar, with arginine, which is basic and polar, at codon 1193 of the RECQL4 protein (p.His1193Arg). This variant has not been reported in the literature in individuals affected with RECQL4-related conditions. In summary, the available evidence is currently insufficient to determine the role of this variant in disease. Therefore, it has been classified as a Variant of Uncertain Significance. ClinVar contains an entry for this variant (Variation ID: 583117).

NM_004260.4(RECQL4):c.3578A>G (p.His1193Arg)

Gene: RECQL4 (RecQ like helicase 4; minus strand). Cytogenetic location: 8q24.3.
Variant type: single nucleotide variant.
Coding change: c.3578A>G on transcript NM_004260.4 (MANE Select); coding-DNA position 3578, A replaced by G.
Protein change: p.His1193Arg; replaces histidine 1193 with arginine.
Molecular consequence: missense variant.
Genome position (GRCh38, 1-based): chr8:144,511,480, T>C on the plus strand (A>G on the coding strand, the complement: RECQL4 is on the minus strand). VCF-style: chr8-144511480-T-C. GRCh37 (hg19) VCF-style: chr8-145736863-T-C.
Other names: short protein forms H1193R.
Identifiers: ClinVar variation 583117 (VCV000583117.6), dbSNP rs753427189, ClinGen allele CA372665717.